The following is an entry in ClinVar:

NM_001323289.2(CDKL5):c.2152+172C>A

Gene: CDKL5 (cyclin dependent kinase like 5; plus strand). Cytogenetic location: Xp22.13.
Variant type: single nucleotide variant.
Coding change: c.2152+172C>A on transcript NM_001323289.2 (MANE Select); 172 bases into the intron after coding-DNA position 2152, C replaced by A.
Molecular consequence: intron variant.
Genome position (GRCh38, 1-based): chrX:18,609,742, C>A. VCF-style: chrX-18609742-C-A. GRCh37 (hg19) VCF-style: chrX-18627862-C-A.
Other names: c.2152+172C>A (NM_003159.3, NM_001037343.2).
Identifiers: ClinVar variation 677504 (VCV000677504.1), dbSNP rs79558557, ClinGen allele CA326989057.
Genomic context (GRCh38, chrX:18,609,742, plus strand): 5'-TCCAGCGGTTCTCCCTGCCTCTGCTCCTGCTAAGTCAGGCCCTCCTGGCTTATGAATTGG[C>A]CTCCTTAGGTAGCCTCTTAACTGGTCTCCCTATCTCCAAGGTACCCATCAATATAGAGAC-3'

ClinVar aggregate classification (germline): Likely benign (1 of 4 stars; one submission).

Allele frequency attached by ClinVar (database versions not stated): gnomAD 0.02011 and 0.02219; TOPMed 0.02741; 1000 Genomes Project 30x 0.06015; 1000 Genomes Project 0.06331.
gnomAD v4.1: 2,466 of 111,829 alleles (2.2%); highest among the groups gnomAD compares: East Asian, 18%; 69 homozygotes.

Submission:

GeneDx
Classification: Likely benign. Last evaluated: 2018-06-19. Review status: criteria provided, single submitter. Criteria: GeneDx Variant Classification (06012015). Collection method: clinical testing. Allele origin: germline. Affected: yes.
Comment: This variant is considered likely benign or benign based on one or more of the following criteria: it is a conservative change, it occurs at a poorly conserved position in the protein, it is predicted to be benign by multiple in silico algorithms, and/or has population frequency not consistent with disease.